The following is an entry in ClinVar:

NM_053025.4(MYLK):c.2417A>G (p.Gln806Arg)

Gene: MYLK (myosin light chain kinase; minus strand). Cytogenetic location: 3q21.1.
Variant type: single nucleotide variant.
Coding change: c.2417A>G on transcript NM_053025.4 (MANE Select); coding-DNA position 2417, A replaced by G.
Protein change: p.Gln806Arg; replaces glutamine 806 with arginine.
Molecular consequence: missense variant.
Genome position (GRCh38, 1-based): chr3:123,701,483, T>C on the plus strand (A>G on the coding strand, the complement: MYLK is on the minus strand). VCF-style: chr3-123701483-T-C. GRCh37 (hg19) VCF-style: chr3-123420330-T-C.
Other names: c.1889A>G, p.Gln630Arg (NM_001321309.2); c.2210A>G, p.Gln737Arg (NM_053026.4, NM_053028.4); c.2417A>G, p.Gln806Arg (NM_053027.4); short protein forms Q737R, Q630R, Q806R.
Identifiers: ClinVar variation 1790949 (VCV001790949.6), dbSNP rs776616400, ClinGen allele CA068540.

ClinVar aggregate classification (germline): Uncertain significance. Review status: criteria provided, multiple submitters, no conflicts (2 of 4 stars). 2 submissions from 2 submitters: Uncertain significance (2). Last evaluated 2025-10-27.

Conditions:
Familial thoracic aortic aneurysm and aortic dissection (TAAD). Also called: Thoracic aortic aneurysms and dissections. Identifiers: Orphanet 91387, MedGen C4707243, MONDO:0019625.
Aortic aneurysm, familial thoracic 7 (AAT7). Also called: AORTIC DISSECTION, FAMILIAL, WITH OR WITHOUT AORTIC ANEURYSM. Identifiers: MedGen C3151077, MONDO:0013418, OMIM 613780.

Allele frequency attached by ClinVar (database versions not stated): gnomAD exomes below 0.00001; ExAC 0.00001; gnomAD 0.00002; TOPMed 0.00002.
gnomAD v4.1: 10 of 1,613,934 alleles (0.00062%); highest among the groups gnomAD compares: African/African-American, 0.011%; no homozygotes.

Submissions (2):

Ambry Genetics
Classification: Uncertain significance for Familial thoracic aortic aneurysm and aortic dissection. Last evaluated: 2025-10-27. Review status: criteria provided, single submitter. Criteria: Ambry Variant Classification Scheme 2023. Collection method: clinical testing. Allele origin: germline.
Comment: The p.Q806R variant (also known as c.2417A>G), located in coding exon 14 of the MYLK gene, results from an A to G substitution at nucleotide position 2417. The glutamine at codon 806 is replaced by arginine, an amino acid with highly similar properties. This amino acid position is conserved. In addition, this alteration is predicted to be tolerated by in silico analysis. Since supporting evidence is limited at this time, the clinical significance of this alteration remains unclear.

Labcorp Genetics (formerly Invitae), Labcorp
Classification: Uncertain significance for Aortic aneurysm, familial thoracic 7. Last evaluated: 2023-09-26. Review status: criteria provided, single submitter. Criteria: Invitae Variant Classification Sherloc (09022015). Collection method: clinical testing. Allele origin: germline.
Comment: This sequence change replaces glutamine, which is neutral and polar, with arginine, which is basic and polar, at codon 806 of the MYLK protein (p.Gln806Arg). This variant is present in population databases (rs776616400, gnomAD 0.004%). This variant has not been reported in the literature in individuals affected with MYLK-related conditions. ClinVar contains an entry for this variant (Variation ID: 1790949). Advanced modeling of protein sequence and biophysical properties (such as structural, functional, and spatial information, amino acid conservation, physicochemical variation, residue mobility, and thermodynamic stability) performed at Invitae indicates that this missense variant is not expected to disrupt MYLK protein function. In summary, the available evidence is currently insufficient to determine the role of this variant in disease. Therefore, it has been classified as a Variant of Uncertain Significance.